The following is an entry in ClinVar:

ClinVar aggregate classification (germline): Uncertain significance (1 of 4 stars; one submission).

Conditions:
Dystonia 12 (DYT12). Also called: DYT-ATP1A3; Rapid-Onset Dystonia-Parkinsonism (RDP). Identifiers: Orphanet 71517, MedGen C1868681, MONDO:0007496, OMIM 128235.

Submission:

Labcorp Genetics (formerly Invitae), Labcorp
Classification: Uncertain significance for Dystonia 12. Last evaluated: 2020-01-23. Review status: criteria provided, single submitter. Criteria: Invitae Variant Classification Sherloc (09022015). Collection method: clinical testing. Allele origin: germline.
Comment: This variant is not present in population databases (ExAC no frequency). This sequence change replaces glycine with aspartic acid at codon 699 of the ATP1A3 protein (p.Gly699Asp). The glycine residue is highly conserved and there is a moderate physicochemical difference between glycine and aspartic acid. This variant has not been reported in the literature in individuals with ATP1A3-related conditions. Algorithms developed to predict the effect of missense changes on protein structure and function are either unavailable or do not agree on the potential impact of this missense change (SIFT: "Deleterious"; PolyPhen-2: "Probably Damaging"; Align-GVGD: "Class C0"). In summary, the available evidence is currently insufficient to determine the role of this variant in disease. Therefore, it has been classified as a Variant of Uncertain Significance.

NM_152296.5(ATP1A3):c.2096G>A (p.Gly699Asp)

Gene: ATP1A3 (ATPase Na+/K+ transporting subunit alpha 3; minus strand). Cytogenetic location: 19q13.2.
Variant type: single nucleotide variant.
Coding change: c.2096G>A on transcript NM_152296.5 (MANE Select); coding-DNA position 2096, G replaced by A.
Protein change: p.Gly699Asp; replaces glycine 699 with aspartic acid.
Molecular consequence: missense variant.
Genome position (GRCh38, 1-based): chr19:41,975,796, C>T on the plus strand (G>A on the coding strand, the complement: ATP1A3 is on the minus strand). VCF-style: chr19-41975796-C-T. GRCh37 (hg19) VCF-style: chr19-42479948-C-T.
Other names: c.2129G>A, p.Gly710Asp (NM_001256213.2); c.2135G>A, p.Gly712Asp (NM_001256214.2); short protein forms G699D, G710D, G712D.
Identifiers: ClinVar variation 1020450 (VCV001020450.9), dbSNP rs2075159832, ClinGen allele CA406042328.